The following is an entry in ClinVar:

NM_001165963.4(SCN1A):c.4925G>C (p.Arg1642Thr)

Genes: SCN1A (sodium voltage-gated channel alpha subunit 1; minus strand), LOC102724058 (uncharacterized LOC102724058; plus strand). Cytogenetic location: 2q24.3.
Variant type: single nucleotide variant.
Coding change: c.4925G>C on transcript NM_001165963.4 (MANE Select); coding-DNA position 4925, G replaced by C.
Protein change: p.Arg1642Thr; replaces arginine 1642 with threonine.
Molecular consequence: missense variant. On other transcripts: non-coding transcript variant (1).
Genome position (GRCh38, 1-based): chr2:165,992,350, C>G on the plus strand (G>C on the coding strand, the complement: SCN1A is on the minus strand). VCF-style: chr2-165992350-C-G. GRCh37 (hg19) VCF-style: chr2-166848860-C-G.
Other names: c.4841G>C, p.Arg1614Thr (NM_001165964.3, NM_001353957.2, NM_001353958.2); c.4925G>C, p.Arg1642Thr (NM_001202435.3, NM_001353948.2); c.4892G>C, p.Arg1631Thr (NM_001353949.2, NM_001353950.2, NM_001353951.2 and 2 more transcripts); c.4889G>C, p.Arg1630Thr (NM_001353954.2, NM_001353955.2); c.4838G>C, p.Arg1613Thr (NM_001353960.2); c.2483G>C, p.Arg828Thr (NM_001353961.2); short protein forms R1613T, R1614T, R1630T, R1631T, R1642T, R828T.
Identifiers: ClinVar variation 3775730 (VCV003775730.1).
Genomic context (GRCh38, chr2:165,992,350, plus strand): 5'-GCAAAGAGCAGCGTGCGGATCCCCTTTGCTCCTTTGATCAGACGTAGGATTCGGCCAATC[C>G]TAGCAAGACGGATCACTCGGAACAGGGTAGGGGACACGAAATACTTTTCTATCAGCTCGG-3'
Protein context (NP_001159435.1, residues 1632-1652): PTLFRVIRLA[Arg1642Thr]IGRILRLIKG

ClinVar aggregate classification (germline): Uncertain significance (1 of 4 stars; one submission).

Conditions:
Generalized epilepsy with febrile seizures plus, type 2 (GEFSP2). Also called: GEFS+, TYPE 2. Identifiers: Orphanet 36387, MedGen C1858673, MONDO:0011461, OMIM 604403.

Submission:

3billion
Classification: Uncertain significance for Generalized epilepsy with febrile seizures plus, type 2. Last evaluated: 2023-08-04. Review status: criteria provided, single submitter. Criteria: ACMG Guidelines, 2015. Collection method: clinical testing. Allele origin: germline. Affected: yes.
Comment: The variant is not observed in the gnomAD v2.1.1 dataset. Predicted Consequence/Location: Missense variant In silico tool predictions suggest damaging effect of the variant on gene or gene product [REVEL: 0.98 (>=0.6, sensitivity 0.68 and specificity 0.92); 3Cnet: 0.99 (>=0.6, sensitivity 0.72 and precision 0.9)]. Different missense changes at the same codon (p.Arg1642Gly, p.Arg1642Met, p.Arg1642Ser) have been reported as pathogenic/likely pathogenic with strong evidence (ClinVar ID: VCV000429766, VCV000658621, VCV001457535, VCV001704266 /PMID: 23195492, 25459968, 29655203). Therefore, this variant is classified as VUS according to the recommendation of ACMG/AMP guideline.

Literature cited by the submitters: PubMed 23195492.